The following is an entry in ClinVar:

ClinVar aggregate classification (germline): Uncertain significance (1 of 4 stars; one submission).

Submission:

Labcorp Genetics (formerly Invitae), Labcorp
Classification: Uncertain significance. Last evaluated: 2020-08-05. Review status: criteria provided, single submitter. Criteria: Invitae Variant Classification Sherloc (09022015). Collection method: clinical testing. Allele origin: germline.
Comment: In summary, the available evidence is currently insufficient to determine the role of this variant in disease. Therefore, it has been classified as a Variant of Uncertain Significance. Experimental studies and prediction algorithms are not available or were not evaluated, and the functional significance of this variant is currently unknown. This variant has not been reported in the literature in individuals with CTNNA1-related conditions. This variant is not present in population databases (ExAC no frequency). This sequence change results in a premature translational stop signal in the CTNNA1 gene (p.Glu877Glyfs*15). While this is not anticipated to result in nonsense mediated decay, it is expected to disrupt the last 30 amino acids of the CTNNA1 protein.

NM_001903.5(CTNNA1):c.2630del (p.Glu877fs)

Gene: CTNNA1 (catenin alpha 1; plus strand). Cytogenetic location: 5q31.2.
Variant type: Deletion.
Coding change: c.2630del on transcript NM_001903.5 (MANE Select); coding-DNA position 2630, one base deleted (A; older notation c.2630delA).
Protein change: p.Glu877fs; shifts the reading frame from glutamic acid 877.
Molecular consequence: frameshift variant. On other transcripts: 3 prime UTR variant (5).
Genome position (GRCh38, 1-based): chr5:138,933,998, A deleted. VCF-style (leftmost placement, unchanged base first): chr5-138933997-GA-G. GRCh37 (hg19) VCF-style: chr5-138269686-GA-G.
Other names: c.*175del (NM_001290307.3, NM_001324002.1, NM_001324003.1 and 2 more transcripts); c.2321del, p.Glu774fs (NM_001290309.3); c.2261del, p.Glu754fs (NM_001290310.3); c.1520del, p.Glu507fs (NM_001290312.1, NM_001323987.1, NM_001323988.1 and 12 more transcripts); c.2630del, p.Glu877fs (NM_001323982.2, NM_001323983.1, NM_001323984.2); c.2603del, p.Glu868fs (NM_001323985.2); c.2537del, p.Glu846fs (NM_001323986.2); c.1385del, p.Glu462fs (NM_001324001.1); and 3 more; short protein forms E394fs, E426fs, E462fs, E476fs, E507fs, E754fs, E774fs, E846fs.
Identifiers: ClinVar variation 1026282 (VCV001026282.6), dbSNP rs1766006565, ClinGen allele CA1586091519.
Genomic context (GRCh38, chr5:138,933,997, plus strand): 5'-GTGTCATGGAAGATGAAGGCACCAGAGAAAAAGCCATTGGTGAAGAGAGAGAAACAGGAT[GA>G]GACACAGACCAAGATTAAACGGGCATCTCAGAAGAAGCACGTGAACCCGGTGCAGGCCCT-3'